The following is an entry in ClinVar:

NM_005529.7(HSPG2):c.5702-5G>A

Gene: HSPG2 (heparan sulfate proteoglycan 2; minus strand). Cytogenetic location: 1p36.12.
Variant type: single nucleotide variant.
Coding change: c.5702-5G>A on transcript NM_005529.7 (MANE Select); 5 bases into the intron before coding-DNA position 5702, G replaced by A.
Molecular consequence: intron variant.
Genome position (GRCh38, 1-based): chr1:21,855,680, C>T on the plus strand (G>A on the coding strand, the complement: HSPG2 is on the minus strand). VCF-style: chr1-21855680-C-T. GRCh37 (hg19) VCF-style: chr1-22182173-C-T.
Other names: c.5705-5G>A (NM_001291860.2).
Identifiers: ClinVar variation 197549 (VCV000197549.35), dbSNP rs2290498, ClinGen allele CA202953.
Genomic context (GRCh38, chr1:21,855,680, plus strand): 5'-GCGCAGGATGCCGCCGTGGATTTGTGCCTTCGCAGGGAGCTGGCCGCCGGGGCCCCCTGA[C>T]GAGTAGACGTGGGGTCAGCACCCACCAAGCCTGCTCAGAGTCCTGCCCCTCCCCTCCCAC-3'

ClinVar aggregate classification (germline): Benign. Review status: criteria provided, multiple submitters, no conflicts (2 of 4 stars). 9 submissions from 8 submitters: Benign (9). Last evaluated 2026-02-02.

Conditions:
Connective tissue disorder. Also called: Connective tissue disease. Identifiers: MedGen C0009782, MONDO:0003900.
Lethal Kniest-like syndrome (DDSH). Also called: Dyssegmental Dysplasia. Identifiers: Orphanet 1865, MedGen C1857100, MONDO:0009140, OMIM 224410.
Schwartz-Jampel syndrome. Also called: Myotonic myopathy dwarfism chondrodystrophy and ocular and facial abnormalities. Identifiers: Orphanet 800, MedGen C0036391, MONDO:0009717.

Allele frequency attached by ClinVar (database versions not stated): ESP Exome Variant Server 0.00293; gnomAD 0.00977 and 0.01316; TOPMed 0.01895; ExAC 0.04252; 1000 Genomes Project 30x 0.04981; 1000 Genomes Project 0.05252.
gnomAD v4.1: 16,518 of 1,578,894 alleles (1%); highest among the groups gnomAD compares: East Asian, 17%; 847 homozygotes.

Submissions (9):

Labcorp Genetics (formerly Invitae), Labcorp
Classification: Benign. Last evaluated: 2026-02-02. Review status: criteria provided, single submitter. Criteria: Invitae Variant Classification Sherloc (09022015). Collection method: clinical testing. Allele origin: germline.

ARUP Laboratories, Molecular Genetics and Genomics, ARUP Laboratories
Classification: Benign. Last evaluated: 2023-11-29. Review status: criteria provided, single submitter. Criteria: ARUP Molecular Germline Variant Investigation Process 2024. Collection method: clinical testing. Allele origin: germline.

Athena Diagnostics
Classification: Benign. Last evaluated: 2023-10-16. Review status: criteria provided, single submitter. Criteria: Athena Diagnostics Criteria. Collection method: clinical testing. Allele origin: unknown.

Genome Diagnostics Laboratory, The Hospital for Sick Children
Classification: Benign for Connective tissue disorder. Last evaluated: 2022-05-12. Review status: criteria provided, single submitter. Criteria: ACMG Guidelines, 2015. Collection method: clinical testing. Allele origin: germline.

GeneDx
Classification: Benign. Last evaluated: 2018-09-20. Review status: criteria provided, single submitter. Criteria: GeneDx Variant Classification Process June 2021. Collection method: clinical testing. Allele origin: germline. Affected: yes.
Comment: This variant is associated with the following publications: (PMID: 26758326)

Illumina Laboratory Services, Illumina
Classification: Benign for Lethal Kniest-like syndrome. Last evaluated: 2018-01-13. Review status: criteria provided, single submitter. Criteria: ICSL Variant Classification Criteria 13 December 2019. Collection method: clinical testing. Allele origin: germline.
Comment: This variant was observed in the ICSL laboratory as part of a predisposition screen in an ostensibly healthy population. It had not been previously curated by ICSL or reported in the Human Gene Mutation Database (HGMD: prior to June 1st, 2018), and was therefore a candidate for classification through an automated scoring system. Utilizing variant allele frequency, disease prevalence and penetrance estimates, and inheritance mode, an automated score was calculated to assess if this variant is too frequent to cause the disease. Based on the score and internal cut-off values, a variant classified as benign is not then subjected to further curation. The score for this variant resulted in a classification of benign for this disease.

Illumina Laboratory Services, Illumina
Classification: Benign for Schwartz-Jampel syndrome type 1. Last evaluated: 2018-01-13. Review status: criteria provided, single submitter. Criteria: ICSL Variant Classification Criteria 13 December 2019. Collection method: clinical testing. Allele origin: germline.
Comment: the same text as in the submission from Illumina Laboratory Services, Illumina above.

Eurofins Ntd Llc (ga)
Classification: Benign. Last evaluated: 2014-10-20. Review status: criteria provided, single submitter. Criteria: EGL Classification Definitions 2015. Collection method: clinical testing. Allele origin: germline. Observed: 2 variant alleles, 2 heterozygotes.

Breakthrough Genomics
Classification: Benign. Review status: criteria provided, single submitter. Criteria: ACMG Guidelines, 2015. Collection method: not provided. Allele origin: germline. Inheritance: Autosomal recessive inheritance. Affected: yes.